The following is an entry in ClinVar:

NM_177438.3(DICER1):c.4730G>A (p.Arg1577Lys)

Gene: DICER1 (dicer 1, ribonuclease III; minus strand). Cytogenetic location: 14q32.13.
Variant type: single nucleotide variant.
Coding change: c.4730G>A on transcript NM_177438.3 (MANE Select); coding-DNA position 4730, G replaced by A.
Protein change: p.Arg1577Lys; replaces arginine 1577 with lysine.
Molecular consequence: missense variant. On other transcripts: non-coding transcript variant (6).
Genome position (GRCh38, 1-based): chr14:95,096,190, C>T on the plus strand (G>A on the coding strand, the complement: DICER1 is on the minus strand). VCF-style: chr14-95096190-C-T. GRCh37 (hg19) VCF-style: chr14-95562527-C-T.
Other names: c.4730G>A, p.Arg1577Lys (NM_001195573.1, NM_001271282.3, NM_001291628.2 and 13 more transcripts); c.4448G>A, p.Arg1483Lys (NM_001395686.1); c.4325G>A, p.Arg1442Lys (NM_001395687.1, NM_001395688.1, NM_001395689.1 and 2 more transcripts); c.4163G>A, p.Arg1388Lys (NM_001395691.1); c.3047G>A, p.Arg1016Lys (NM_001395697.1); short protein forms R1016K, R1442K, R1483K, R1388K, R1577K.
Identifiers: ClinVar variation 2835109 (VCV002835109.3), dbSNP rs1447972626, ClinGen allele CA390867412.

ClinVar aggregate classification (germline): Uncertain significance (1 of 4 stars; one submission).

Conditions:
DICER1-related tumor predisposition. Also called: DICER1-related pleuropulmonary blastoma cancer predisposition syndrome; DICER1 syndrome. Identifiers: Orphanet 284343, MedGen C3839822, MONDO:0100216.

gnomAD v4.1: 3 of 1,614,220 alleles (0.00019%); highest among the groups gnomAD compares: Non-Finnish European, 0.00025%; no homozygotes.

Submission:

Labcorp Genetics (formerly Invitae), Labcorp
Classification: Uncertain significance for DICER1-related tumor predisposition. Last evaluated: 2023-02-07. Review status: criteria provided, single submitter. Criteria: Invitae Variant Classification Sherloc (09022015). Collection method: clinical testing. Allele origin: germline.
Comment: This sequence change replaces arginine, which is basic and polar, with lysine, which is basic and polar, at codon 1577 of the DICER1 protein (p.Arg1577Lys). This variant is present in population databases (no rsID available, gnomAD 0.0009%). This variant has not been reported in the literature in individuals affected with DICER1-related conditions. Advanced modeling of protein sequence and biophysical properties (such as structural, functional, and spatial information, amino acid conservation, physicochemical variation, residue mobility, and thermodynamic stability) performed at Invitae indicates that this missense variant is not expected to disrupt DICER1 protein function. In summary, the available evidence is currently insufficient to determine the role of this variant in disease. Therefore, it has been classified as a Variant of Uncertain Significance.